The following is an entry in ClinVar:

NM_033087.4(ALG2):c.550T>C (p.Phe184Leu)

Gene: ALG2 (ALG2 alpha-1,3/1,6-mannosyltransferase; minus strand). Cytogenetic location: 9q22.33.
Variant type: single nucleotide variant.
Coding change: c.550T>C on transcript NM_033087.4 (MANE Select); coding-DNA position 550, T replaced by C.
Protein change: p.Phe184Leu; replaces phenylalanine 184 with leucine.
Molecular consequence: missense variant. On other transcripts: non-coding transcript variant (1).
Genome position (GRCh38, 1-based): chr9:99,218,635, A>G on the plus strand (T>C on the coding strand, the complement: ALG2 is on the minus strand). VCF-style: chr9-99218635-A-G. GRCh37 (hg19) VCF-style: chr9-101980917-A-G.
Other names: short protein forms F184L.
Identifiers: ClinVar variation 2156916 (VCV002156916.4), dbSNP rs761193460, ClinGen allele CA5156296.
Genomic context (GRCh38, chr9:99,218,635, plus strand): 5'-TTAGAGATGGATAGAGGACATCAGGGTCTATGTGAGACAGGGACTTGAATGTTTCCTTAA[A>G]AACAGCAGCTGTGAACTGGCTGTTGACTAAGATGCAGTCTGCCATGCCTGTGGTGTATTC-3'
Protein context (NP_149078.1, residues 174-194): LVNSQFTAAV[Phe184Leu]KETFKSLSHI

ClinVar aggregate classification (germline): Uncertain significance (1 of 4 stars; one submission).

Conditions:
Congenital disorder of glycosylation, type Ii. Also called: ALG2-congenital disorder of glycosylation; CDG Ii; ALG2-CDG. Identifiers: Orphanet 79326, MedGen C1842836, MONDO:0011933, OMIM 607906.
Congenital myasthenic syndrome 14. Also called: Myasthenic syndrome, congenital, 14, with tubular aggregates. Identifiers: Orphanet 353327, Orphanet 590, MedGen C4015597, MONDO:0014543, OMIM 616228.

Allele frequency attached by ClinVar (database versions not stated): TOPMed below 0.00001; gnomAD exomes 0.00001; ExAC 0.00002.
gnomAD v4.1: 4 of 1,614,192 alleles (0.00025%); highest among the groups gnomAD compares: Non-Finnish European, 0.00025%; no homozygotes.

Submission:

Labcorp Genetics (formerly Invitae), Labcorp
Classification: Uncertain significance for Congenital disorder of glycosylation, type Ii; Congenital myasthenic syndrome 14. Last evaluated: 2023-12-18. Review status: criteria provided, single submitter. Criteria: Invitae Variant Classification Sherloc (09022015). Collection method: clinical testing. Allele origin: germline.
Comment: This sequence change replaces phenylalanine, which is neutral and non-polar, with leucine, which is neutral and non-polar, at codon 184 of the ALG2 protein (p.Phe184Leu). This variant is present in population databases (rs761193460, gnomAD 0.002%). This variant has not been reported in the literature in individuals affected with ALG2-related conditions. ClinVar contains an entry for this variant (Variation ID: 2156916). An algorithm developed to predict the effect of missense changes on protein structure and function (PolyPhen-2) suggests that this variant is likely to be disruptive. In summary, the available evidence is currently insufficient to determine the role of this variant in disease. Therefore, it has been classified as a Variant of Uncertain Significance.